The following is an entry in ClinVar:

NM_000465.4(BARD1):c.392G>A (p.Ser131Asn)

Gene: BARD1 (BRCA1 associated RING domain 1; minus strand). Cytogenetic location: 2q35.
Variant type: single nucleotide variant.
Coding change: c.392G>A on transcript NM_000465.4 (MANE Select); coding-DNA position 392, G replaced by A.
Protein change: p.Ser131Asn; replaces serine 131 with asparagine.
Molecular consequence: missense variant. On other transcripts: non-coding transcript variant (2), intron variant (3).
Genome position (GRCh38, 1-based): chr2:214,781,482, C>T on the plus strand (G>A on the coding strand, the complement: BARD1 is on the minus strand). VCF-style: chr2-214781482-C-T. GRCh37 (hg19) VCF-style: chr2-215646206-C-T.
Other names: c.335G>A, p.Ser112Asn (NM_001282543.2); c.158+27930G>A (NM_001282548.2); c.215+15579G>A (NM_001282545.2); c.364+10815G>A (NM_001282549.2); short protein forms S112N, S131N.
Identifiers: ClinVar variation 1034915 (VCV001034915.12), dbSNP rs1163172447, ClinGen allele CA350458182.

ClinVar aggregate classification (germline): Conflicting classifications of pathogenicity. Review status: criteria provided, conflicting classifications (1 of 4 stars). 2 submissions from 2 submitters: Uncertain significance (1); Likely benign (1). Last evaluated 2025-09-27.

Conditions:
Hereditary cancer-predisposing syndrome. Also called: Hereditary neoplastic syndrome; Neoplastic Syndromes, Hereditary; Tumor predisposition; Hereditary Cancer Syndrome. Identifiers: Orphanet 140162, MedGen C0027672, MeSH D009386, MONDO:0015356.
Familial cancer of breast. Also called: Hereditary breast cancer; BREAST CANCER, FAMILIAL; hereditary breast carcinoma. Identifiers: Orphanet 227535, MedGen C0346153, MONDO:0016419, OMIM 114480. Disease mechanism: loss of function.

Allele frequency attached by ClinVar (database versions not stated): TOPMed below 0.00001; gnomAD 0.00001.

Submissions (2):

Labcorp Genetics (formerly Invitae), Labcorp
Classification: Uncertain significance for Familial cancer of breast. Last evaluated: 2025-09-27. Review status: criteria provided, single submitter. Criteria: Invitae Variant Classification Sherloc (09022015). Collection method: clinical testing. Allele origin: germline.
Comment: This sequence change replaces serine, which is neutral and polar, with asparagine, which is neutral and polar, at codon 131 of the BARD1 protein (p.Ser131Asn). The frequency data for this variant in the population databases is considered unreliable, as metrics indicate poor data quality at this position in the gnomAD database. This variant has not been reported in the literature in individuals affected with BARD1-related conditions. ClinVar contains an entry for this variant (Variation ID: 1034915). An algorithm developed to predict the effect of missense changes on protein structure and function outputs the following: PolyPhen-2: "Benign". The asparagine amino acid residue is found in multiple mammalian species, which suggests that this missense change does not adversely affect protein function. In summary, the available evidence is currently insufficient to determine the role of this variant in disease. Therefore, it has been classified as a Variant of Uncertain Significance.

Ambry Genetics
Classification: Likely benign for Hereditary cancer-predisposing syndrome. Last evaluated: 2021-09-04. Review status: criteria provided, single submitter. Criteria: Ambry Variant Classification Scheme 2023. Collection method: clinical testing. Allele origin: germline.